The following is an entry in ClinVar:

ClinVar aggregate classification (germline): Likely benign. Review status: criteria provided, multiple submitters, no conflicts (2 of 4 stars). 2 submissions from 2 submitters: Likely benign (2). Last evaluated 2023-10-22.

Conditions:
RYR1-related disorder. Also called: RYR1-related condition; RYR1-related disorders. Identifiers: MedGen CN239331.
Malignant hyperthermia, susceptibility to, 1 (MHS1). Also called: Anesthesia related hyperthermia; Malignant hyperpyrexia; Fulminating hyperpyrexia; Pharmacogenic myopathy; RYR1-Related Malignant Hyperthermia Susceptibility; Malignant hyperthermia suceptibility 1. Identifiers: Orphanet 423, MedGen C2930980, MONDO:0007783, OMIM 145600.

Allele frequency attached by ClinVar (database versions not stated): ExAC 0.00002.
gnomAD v4.1: 14 of 1,613,832 alleles (0.00087%); highest among the groups gnomAD compares: East Asian, 0.0067%; no homozygotes.

Submissions (2):

Labcorp Genetics (formerly Invitae), Labcorp
Classification: Likely benign for RYR1-related disorder. Last evaluated: 2023-10-22. Review status: criteria provided, single submitter. Criteria: Invitae Variant Classification Sherloc (09022015). Collection method: clinical testing. Allele origin: germline.

All of Us Research Program, National Institutes of Health
Classification: Likely benign for Malignant hyperthermia, susceptibility to, 1. Last evaluated: 2023-08-15. Review status: criteria provided, single submitter. Criteria: ACMG Guidelines, 2015. Collection method: clinical testing. Allele origin: germline. Inheritance: Autosomal dominant inheritance. Observed: 3 variant alleles, 3 heterozygotes.
Comment: This study involves interpretation of variants in research participants for the purpose of population health screening. Participant phenotype was not available at the time of variant classification. Additional details can be found in publication PMID: 35346344, PMCID: PMC8962531

NM_000540.3(RYR1):c.10620C>T (p.Tyr3540=)

Gene: RYR1 (ryanodine receptor 1; plus strand). Cytogenetic location: 19q13.2.
Variant type: single nucleotide variant.
Coding change: c.10620C>T on transcript NM_000540.3 (MANE Select); coding-DNA position 10620, C replaced by T.
Protein change: p.Tyr3540=; no amino-acid change (tyrosine 3540 retained).
Molecular consequence: synonymous variant.
Genome position (GRCh38, 1-based): chr19:38,525,496, C>T. VCF-style: chr19-38525496-C-T. GRCh37 (hg19) VCF-style: chr19-39016136-C-T.
Other names: c.10605C>T, p.Tyr3535= (NM_001042723.2).
Identifiers: ClinVar variation 2416472 (VCV002416472.8), dbSNP rs758247804, ClinGen allele CA054132.